The following is an entry in ClinVar:

NM_017882.3(CLN6):c.64G>T (p.Ala22Ser)

Gene: CLN6 (CLN6 transmembrane ER protein; minus strand). Cytogenetic location: 15q23.
Variant type: single nucleotide variant.
Coding change: c.64G>T on transcript NM_017882.3 (MANE Select); coding-DNA position 64, G replaced by T.
Protein change: p.Ala22Ser; replaces alanine 22 with serine.
Molecular consequence: missense variant.
Genome position (GRCh38, 1-based): chr15:68,229,521, C>A on the plus strand (G>T on the coding strand, the complement: CLN6 is on the minus strand). VCF-style: chr15-68229521-C-A. GRCh37 (hg19) VCF-style: chr15-68521859-C-A.
Other names: p.A22S:GCC>TCC; p.Ala22Ser; short protein forms A22S.
Identifiers: ClinVar variation 193390 (VCV000193390.61), dbSNP rs527373013, ClinGen allele CA238909.

ClinVar aggregate classification (germline): Benign/Likely benign. Review status: criteria provided, multiple submitters, no conflicts (2 of 4 stars). 9 submissions from 9 submitters: Benign (3); Likely benign (6). Last evaluated 2026-01-28.

Conditions:
Inborn genetic diseases. Identifiers: MedGen C0950123, MeSH D030342.
Neuronal ceroid lipofuscinosis. Also called: Neuronal Ceroid Lipofuscinoses. Identifiers: Orphanet 216, Orphanet 79263, MedGen C0027877, MONDO:0016295. Disease mechanism: loss of function.

Allele frequency attached by ClinVar (database versions not stated): ExAC 0.00010; TOPMed 0.00422; 1000 Genomes Project 0.00499; 1000 Genomes Project 30x 0.00547.

Submissions (9):

Labcorp Genetics (formerly Invitae), Labcorp
Classification: Benign for Neuronal ceroid lipofuscinosis. Last evaluated: 2026-01-28. Review status: criteria provided, single submitter. Criteria: Invitae Variant Classification Sherloc (09022015). Collection method: clinical testing. Allele origin: germline.

ARUP Laboratories, Molecular Genetics and Genomics, ARUP Laboratories
Classification: Likely benign. Last evaluated: 2025-04-08. Review status: criteria provided, single submitter. Criteria: ARUP Molecular Germline Variant Investigation Process 2024. Collection method: clinical testing. Allele origin: germline.

Mayo Clinic Laboratories, Mayo Clinic
Classification: Likely benign. Last evaluated: 2024-11-14. Review status: criteria provided, single submitter. Criteria: ACMG Guidelines, 2015. Collection method: clinical testing. Allele origin: germline. Observed: 2 variant alleles.
Comment: BS1, BP4

Blueprint Genetics
Classification: Likely benign. Last evaluated: 2024-11-08. Review status: criteria provided, single submitter. Criteria: ACMG Guidelines, 2015. Collection method: clinical testing. Allele origin: germline.

Illumina Laboratory Services, Illumina
Classification: Likely benign for Neuronal ceroid lipofuscinosis. Last evaluated: 2018-01-13. Review status: criteria provided, single submitter. Criteria: ICSL Variant Classification Criteria 13 December 2019. Collection method: clinical testing. Allele origin: germline.
Comment: This variant was observed in the ICSL laboratory as part of a predisposition screen in an ostensibly healthy population. It had not been previously curated by ICSL or reported in the Human Gene Mutation Database (HGMD: prior to June 1st, 2018), and was therefore a candidate for classification through an automated scoring system. Utilizing variant allele frequency, disease prevalence and penetrance estimates, and inheritance mode, an automated score was calculated to assess if this variant is too frequent to cause the disease. Based on the score and internal cut-off values, a variant classified as likely benign is not then subjected to further curation. The score for this variant resulted in a classification of likely benign for this disease.

GeneDx
Classification: Likely benign. Last evaluated: 2017-10-23. Review status: criteria provided, single submitter. Criteria: GeneDx Variant Classification (06012015). Collection method: clinical testing. Allele origin: germline. Affected: yes.
Comment: This variant is considered likely benign or benign based on one or more of the following criteria: it is a conservative change, it occurs at a poorly conserved position in the protein, it is predicted to be benign by multiple in silico algorithms, and/or has population frequency not consistent with disease.

Ambry Genetics
Classification: Benign for Inborn genetic diseases. Last evaluated: 2017-05-31. Review status: criteria provided, single submitter. Criteria: Ambry Variant Classification Scheme 2023. Collection method: clinical testing. Allele origin: germline.

Eurofins Ntd Llc (ga)
Classification: Benign. Last evaluated: 2016-09-14. Review status: criteria provided, single submitter. Criteria: EGL Classification Definitions 2015. Collection method: clinical testing. Allele origin: germline. Observed: 3 variant alleles, 2 heterozygotes.

Breakthrough Genomics
Classification: Likely benign. Review status: criteria provided, single submitter. Criteria: ACMG Guidelines, 2015. Collection method: not provided. Allele origin: germline. Inheritance: Autosomal recessive inheritance. Affected: yes.

Literature cited by the submitters: PubMed 30831263 (cited by Mayo Clinic Laboratories, Mayo Clinic); PubMed 38465286 (cited by Mayo Clinic Laboratories, Mayo Clinic).